The following is an entry in ClinVar:

NM_001394372.1(BICRA):c.172G>T (p.Gly58Cys)

Gene: BICRA (BRD4 interacting chromatin remodeling complex associated protein; plus strand). Cytogenetic location: 19q13.33.
Variant type: single nucleotide variant.
Coding change: c.172G>T on transcript NM_001394372.1 (MANE Select); coding-DNA position 172, G replaced by T.
Protein change: p.Gly58Cys; replaces glycine 58 with cysteine.
Molecular consequence: missense variant.
Genome position (GRCh38, 1-based): chr19:47,679,342, G>T. VCF-style: chr19-47679342-G-T. GRCh37 (hg19) VCF-style: chr19-48182599-G-T.
Other names: c.172G>T, p.Gly58Cys (NM_015711.3); short protein forms G58C.
Identifiers: ClinVar variation 3373560 (VCV003373560.1).
Genomic context (GRCh38, chr19:47,679,342, plus strand): 5'-AACCTCAGCTCTTTCCTTCCCACCTTTCCCGGCCTGCAGCTCCATGTGCAAGAAGCTTCC[G>T]GCAACCACCTGAACCCAGAGCCCAACCAGCCGGCCCCCAGTGTGGACCTAGACTTCCTGG-3'
Protein context (NP_001381301.1, residues 48-68): GPGLHVQEAS[Gly58Cys]NHLNPEPNQP

ClinVar aggregate classification (germline): Uncertain significance (1 of 4 stars; one submission).

gnomAD v4.1: 2 of 1,423,466 alleles (0.00014%); highest among the groups gnomAD compares: Non-Finnish European, 0.000092%; no homozygotes.

Submission:

GeneDx
Classification: Uncertain significance. Last evaluated: 2024-03-06. Review status: criteria provided, single submitter. Criteria: GeneDx Variant Classification Process June 2021. Collection method: clinical testing. Allele origin: germline. Affected: yes.
Comment: Not observed at significant frequency in large population cohorts (gnomAD); In silico analysis supports that this missense variant has a deleterious effect on protein structure/function; Has not been previously published as pathogenic or benign to our knowledge